The following is an entry in ClinVar:

ClinVar aggregate classification (germline): Pathogenic/Likely pathogenic. Review status: criteria provided, multiple submitters, no conflicts (2 of 4 stars). 2 submissions from 2 submitters: Pathogenic (1); Likely pathogenic (1). Last evaluated 2023-08-07.

Conditions:
Early-infantile DEE. Also called: Early infantile epileptic encephalopathy with suppression bursts; Early infantile epileptic encephalopathy; Ohtahara syndrome. Identifiers: Orphanet 1934, MedGen C0393706, MONDO:0800491.

Submissions (2):

Labcorp Genetics (formerly Invitae), Labcorp
Classification: Pathogenic for Early-infantile DEE. Last evaluated: 2023-08-07. Review status: criteria provided, single submitter. Criteria: Invitae Variant Classification Sherloc (09022015). Collection method: clinical testing. Allele origin: germline.
Comment: This sequence change affects an acceptor splice site in intron 19 of the SCN1A gene. It is expected to disrupt RNA splicing. Variants that disrupt the donor or acceptor splice site typically lead to a loss of protein function (PMID: 16199547), and loss-of-function variants in SCN1A are known to be pathogenic (PMID: 17347258, 18930999). This variant is not present in population databases (gnomAD no frequency). Disruption of this splice site has been observed in individual(s) with Dravet syndrome (PMID: 18930999, 23762420). In at least one individual the variant was observed to be de novo. ClinVar contains an entry for this variant (Variation ID: 2433193). Algorithms developed to predict the effect of sequence changes on RNA splicing suggest that this variant may disrupt the consensus splice site. For these reasons, this variant has been classified as Pathogenic.

Revvity Omics, Revvity
Classification: Likely pathogenic. Last evaluated: 2022-04-18. Review status: criteria provided, single submitter. Criteria: ACMG Guidelines, 2015. Collection method: clinical testing. Allele origin: germline.

Literature cited by the submitters: PubMed 16199547 (cited by Labcorp Genetics (formerly Invitae), Labcorp); PubMed 17347258 (cited by Labcorp Genetics (formerly Invitae), Labcorp); PubMed 18930999 (cited by Labcorp Genetics (formerly Invitae), Labcorp); PubMed 23762420 (cited by Labcorp Genetics (formerly Invitae), Labcorp).

NM_001165963.4(SCN1A):c.3880-1G>A

Genes: SCN1A (sodium voltage-gated channel alpha subunit 1; minus strand), LOC102724058 (uncharacterized LOC102724058; plus strand). Cytogenetic location: 2q24.3.
Variant type: single nucleotide variant.
Coding change: c.3880-1G>A on transcript NM_001165963.4 (MANE Select); the canonical splice acceptor site of the intron before coding-DNA position 3880, G replaced by A.
Molecular consequence: splice acceptor variant.
Genome position (GRCh38, 1-based): chr2:166,009,842, C>T on the plus strand (G>A on the coding strand, the complement: SCN1A is on the minus strand). VCF-style: chr2-166009842-C-T. GRCh37 (hg19) VCF-style: chr2-166866352-C-T.
Other names: c.3847-1G>A (NM_001353949.2, NM_001353950.2, NM_001353951.2 and 2 more transcripts); c.3796-1G>A (NM_001353958.2, NM_001353957.2, NM_001165964.3); c.3880-1G>A (NM_001202435.3, NM_001353948.2); c.3844-1G>A (NM_001353955.2, NM_001353954.2); c.3793-1G>A (NM_001353960.2); c.1438-1G>A (NM_001353961.2).
Identifiers: ClinVar variation 2433193 (VCV002433193.6), dbSNP rs1559140855, ClinGen allele CA349053561.
Genomic context (GRCh38, chr2:166,009,842, plus strand): 5'-TTTGATGGCTCCAAGTTCTGAGTAACCCAAGGCATTTGCTGTTAAACTGACCAATGAAAC[C>T]TGCACACACAAAAATAATAACAATTAATAAACAGAATCATCATTCAATGTGTAGTTGCTA-3'